The following is an entry in ClinVar:

NM_001267550.2(TTN):c.74786G>A (p.Trp24929Ter)

Genes: TTN (titin; minus strand), TTN-AS1 (TTN antisense RNA 1; plus strand). Cytogenetic location: 2q31.2.
Variant type: single nucleotide variant.
Coding change: c.74786G>A on transcript NM_001267550.2 (MANE Select); coding-DNA position 74786, G replaced by A.
Protein change: p.Trp24929Ter; replaces tryptophan 24929 with a stop codon.
Molecular consequence: nonsense. On other transcripts: non-coding transcript variant (1).
Genome position (GRCh38, 1-based): chr2:178,571,346, C>T on the plus strand (G>A on the coding strand, the complement: TTN is on the minus strand). VCF-style: chr2-178571346-C-T. GRCh37 (hg19) VCF-style: chr2-179436073-C-T.
Other names: c.69863G>A, p.Trp23288Ter (NM_001256850.1); c.47591G>A, p.Trp15864Ter (NM_003319.4); c.67082G>A, p.Trp22361Ter (NM_133378.4); c.47966G>A, p.Trp15989Ter (NM_133432.3); c.48167G>A, p.Trp16056Ter (NM_133437.4); short protein forms W15864*, W15989*, W22361*, W16056*, W24929*, W23288*.
Identifiers: ClinVar variation 4785899 (VCV004785899.1).
Genomic context (GRCh38, chr2:178,571,346, plus strand): 5'-TCCTTGCGTTCTAGATGATAGCCAATGACTCTACTTCCTCCATCACTGATTGGCTCATTC[C>T]ATTGTACTTCCATGCTGTCCCTGGAGGACAGTGTGACAACTGGAGTGCCAGGAGGACCAG-3'

ClinVar aggregate classification (germline): Likely pathogenic (1 of 4 stars; one submission).

Conditions:
Autosomal recessive limb-girdle muscular dystrophy type 2J (LGMDR10). Also called: Limb-girdle muscular dystrophy, type 2J; MUSCULAR DYSTROPHY, LIMB-GIRDLE, AUTOSOMAL RECESSIVE 10. Identifiers: Orphanet 140922, MedGen C1837342, MONDO:0012127, OMIM 608807.
Dilated cardiomyopathy 1G (CMD1G). Identifiers: Orphanet 154, MedGen C1858763, MONDO:0011400, OMIM 604145.

Submission:

Labcorp Genetics (formerly Invitae), Labcorp
Classification: Likely pathogenic for Dilated cardiomyopathy 1G; Autosomal recessive limb-girdle muscular dystrophy type 2J. Last evaluated: 2025-08-18. Review status: criteria provided, single submitter. Criteria: Invitae Variant Classification Sherloc (09022015). Collection method: clinical testing. Allele origin: germline.
Comment: This sequence change creates a premature translational stop signal (p.Trp24929*) in the TTN gene. While this is not anticipated to result in nonsense mediated decay, it is expected to create a truncated TTN protein. This variant is not present in population databases (gnomAD no frequency). This variant has not been reported in the literature in individuals affected with TTN-related conditions. This variant is located in the A band of TTN (PMID: 25589632). Truncating variants in this region are significantly overrepresented in patients affected with dilated cardiomyopathy (PMID: 25589632). Truncating variants in this region have also been reported in individuals affected with autosomal recessive centronuclear myopathy (PMID: 23975875). In summary, the currently available evidence indicates that the variant is pathogenic, but additional data are needed to prove that conclusively. Therefore, this variant has been classified as Likely Pathogenic.

Literature cited by the submitters: PubMed 25589632; PubMed 23975875.